The following is an entry in ClinVar:

ClinVar aggregate classification (germline): Conflicting classifications of pathogenicity. Review status: criteria provided, conflicting classifications (1 of 4 stars). 9 submissions from 9 submitters: Uncertain significance (2); Benign (3); Likely benign (4). Last evaluated 2026-02-02.

Conditions:
Cardiovascular phenotype. Identifiers: MedGen CN230736.
Duchenne muscular dystrophy (DMD). Also called: Duchenne Muscular Dystrophy (DMD); MUSCULAR DYSTROPHY, PSEUDOHYPERTROPHIC PROGRESSIVE, DUCHENNE TYPE. Identifiers: Orphanet 98896, MedGen C0013264, MONDO:0010679, OMIM 310200.
Intellectual disability. Also called: intellectual disabilities; Intellectual developmental disorder; Intellectual functioning disability. Identifiers: MedGen C3714756, MeSH D008607, MONDO:0001071, HP:0001249.

Allele frequency attached by ClinVar (database versions not stated): gnomAD exomes 0.00004 and 0.00007; ExAC 0.00006; 1000 Genomes Project 30x 0.00021; 1000 Genomes Project 0.00026; ESP Exome Variant Server 0.00028; gnomAD 0.00030 and 0.00034; TOPMed 0.00040.
gnomAD v4.1: 82 of 1,209,064 alleles (0.0068%); highest among the groups gnomAD compares: African/African-American, 0.11%; no homozygotes.

Submissions (9):

Labcorp Genetics (formerly Invitae), Labcorp
Classification: Benign for Duchenne muscular dystrophy. Last evaluated: 2026-02-02. Review status: criteria provided, single submitter. Criteria: Invitae Variant Classification Sherloc (09022015). Collection method: clinical testing. Allele origin: germline.

Molecular Diagnostic Laboratory for Inherited Cardiovascular Disease, Montreal Heart Institute
Classification: Likely benign. Last evaluated: 2025-04-09. Review status: criteria provided, single submitter. Criteria: ACMG Guidelines, 2015. Collection method: clinical testing. Allele origin: germline. Affected: no.
Comment: BS1, BP1, BP4

Athena Diagnostics
Classification: Benign. Last evaluated: 2025-03-13. Review status: criteria provided, single submitter. Criteria: Athena Diagnostics Criteria. Collection method: clinical testing. Allele origin: unknown.
Comment: The frequency of this variant in the general population is higher than would generally be expected for pathogenic variants in this gene. Computational tools predict this amino acid change may be benign. The variant is located in a region that is not considered important for protein function and/or structure.

Blueprint Genetics
Classification: Likely benign. Last evaluated: 2024-09-04. Review status: criteria provided, single submitter. Criteria: ACMG Guidelines, 2015. Collection method: clinical testing. Allele origin: germline.

GeneDx
Classification: Benign. Last evaluated: 2020-06-26. Review status: criteria provided, single submitter. Criteria: GeneDx Variant Classification Process June 2021. Collection method: clinical testing. Allele origin: germline. Affected: yes.

Cambridge Genomics Laboratory, East Genomic Laboratory Hub, NHS Genomic Medicine Service
Classification: Likely benign for Intellectual disability. Last evaluated: 2020-03-27. Review status: criteria provided, single submitter. Criteria: ACGS Best Practice Guidelines for Variant Classification in Rare Disease 2020. Collection method: clinical testing. Allele origin: germline. Affected: yes. Observed: 1 variant allele.

Ambry Genetics
Classification: Likely benign for Cardiovascular phenotype. Last evaluated: 2020-03-24. Review status: criteria provided, single submitter. Criteria: Ambry Variant Classification Scheme 2023. Collection method: clinical testing. Allele origin: germline.

Eurofins Ntd Llc (ga)
Classification: Uncertain significance. Last evaluated: 2017-06-13. Review status: criteria provided, single submitter. Criteria: EGL Classification Definitions 2015. Collection method: clinical testing. Allele origin: germline. Observed: 2 variant alleles, 1 heterozygote, 1 hemizygote.

Laboratory for Molecular Medicine, Mass General Brigham Personalized Medicine
Classification: Uncertain significance. Last evaluated: 2015-04-28. Review status: criteria provided, single submitter. Criteria: LMM Criteria. Collection method: clinical testing. Allele origin: germline. Observed: 1 variant allele.
Comment: The p.Thr847Ala variant in DMD has not been previously reported in individuals w ith cardiomyopathy, but has been identified in 4/8508 African chromosomes, inclu ding one male, by the Exome Aggregation Consortium (ExAC; dbSNP rs138145424). Computational prediction tools and conservation an alysis suggest that this variant may not impact the protein, though this informa tion is not predictive enough to rule out pathogenicity. In summary, the clinica l significance of the p.Thr847Ala variant is uncertain.

Literature cited by the submitters: PubMed 39588385 (cited by Athena Diagnostics).

NM_004006.3(DMD):c.2539A>G (p.Thr847Ala)

Gene: DMD (dystrophin; minus strand). Cytogenetic location: Xp21.1.
Variant type: single nucleotide variant.
Coding change: c.2539A>G on transcript NM_004006.3 (MANE Select); coding-DNA position 2539, A replaced by G.
Protein change: p.Thr847Ala; replaces threonine 847 with alanine.
Molecular consequence: missense variant.
Genome position (GRCh38, 1-based): chrX:32,491,360, T>C on the plus strand (A>G on the coding strand, the complement: DMD is on the minus strand). VCF-style: chrX-32491360-T-C. GRCh37 (hg19) VCF-style: chrX-32509477-T-C.
Other names: c.2515A>G, p.Thr839Ala (NM_000109.4); c.2527A>G, p.Thr843Ala (NM_004009.3); c.2170A>G, p.Thr724Ala (NM_004010.3); short protein forms T847A, T839A, T843A, T724A.
Identifiers: ClinVar variation 195493 (VCV000195493.29), dbSNP rs138145424, ClinGen allele CA241939.
Genomic context (GRCh38, chrX:32,491,360, plus strand): 5'-TAATTGCTGTTGGCTCTGATGGGGTGGTGGGTTGGATTTTCAACCAGTTTTCAGCAGTAG[T>C]TGTCATCTGCTCCAATTGTTGTAGCTGATTATAGAAAGCGATGATGTTGTTCTGATACTC-3'
Protein context (NP_003997.2, residues 837-857): NQLQQLEQMT[Thr847Ala]TAENWLKIQP